The following is an entry in ClinVar:

NM_002769.5(PRSS1):c.319G>T (p.Asp107Tyr)

Genes: PRSS1 (serine protease 1; plus strand), TRB (T cell receptor beta locus; plus strand). Cytogenetic location: 7q34.
Variant type: single nucleotide variant.
Coding change: c.319G>T on transcript NM_002769.5 (MANE Select); coding-DNA position 319, G replaced by T.
Protein change: p.Asp107Tyr; replaces aspartic acid 107 with tyrosine.
Molecular consequence: missense variant. On other transcripts: non-coding transcript variant (4).
Genome position (GRCh38, 1-based): chr7:142,751,892, G>T. VCF-style: chr7-142751892-G-T. GRCh37 (hg19) VCF-style: chr7-142459743-G-T.
Other names: short protein forms D107Y.
Identifiers: ClinVar variation 3222801 (VCV003222801.1), dbSNP rs1323769980, ClinGen allele CA369608792.

ClinVar aggregate classification (germline): Uncertain significance (1 of 4 stars; one submission).

Conditions:
Hereditary pancreatitis (PCTT). Also called: Hereditary chronic pancreatitis; PRSS1-Related Hereditary Pancreatitis. Identifiers: Orphanet 676, MedGen C0238339, MONDO:0008185, OMIM 167800.

Allele frequency attached by ClinVar (database versions not stated): gnomAD exomes below 0.00001.
gnomAD v4.1: 1 of 1,614,066 alleles (0.000062%); highest among the groups gnomAD compares: South Asian, 0.0011%; no homozygotes.

Submission:

Ambry Genetics
Classification: Uncertain significance for Hereditary pancreatitis. Last evaluated: 2023-10-15. Review status: criteria provided, single submitter. Criteria: Ambry Variant Classification Scheme 2023. Collection method: clinical testing. Allele origin: germline.
Comment: The p.D107Y variant (also known as c.319G>T), located in coding exon 3 of the PRSS1 gene, results from a G to T substitution at nucleotide position 319. The aspartic acid at codon 107 is replaced by tyrosine, an amino acid with highly dissimilar properties. This amino acid position is conserved. In addition, this alteration is predicted to be deleterious by in silico analysis. Since supporting evidence is limited at this time, the clinical significance of this alteration remains unclear.